The following is an entry in ClinVar:

ClinVar aggregate classification (germline): Likely benign. Review status: criteria provided, multiple submitters, no conflicts (2 of 4 stars). 3 submissions from 3 submitters: Likely benign (3). Last evaluated 2026-01-05.

Conditions:
Dilated cardiomyopathy 1G (CMD1G). Identifiers: Orphanet 154, MedGen C1858763, MONDO:0011400, OMIM 604145.
Autosomal recessive limb-girdle muscular dystrophy type 2J (LGMDR10). Also called: Limb-girdle muscular dystrophy, type 2J; MUSCULAR DYSTROPHY, LIMB-GIRDLE, AUTOSOMAL RECESSIVE 10. Identifiers: Orphanet 140922, MedGen C1837342, MONDO:0012127, OMIM 608807.
TTN-related disorder. Also called: TTN-related disorders; TTN-related condition; TTN-related disease.
Cardiovascular phenotype. Identifiers: MedGen CN230736.

Allele frequency attached by ClinVar (database versions not stated): TOPMed 0.00002; gnomAD 0.00003.
gnomAD v4.1: 14 of 1,613,938 alleles (0.00087%); highest among the groups gnomAD compares: South Asian, 0.0044%; no homozygotes.

Submissions (3):

Labcorp Genetics (formerly Invitae), Labcorp
Classification: Likely benign for Dilated cardiomyopathy 1G; Autosomal recessive limb-girdle muscular dystrophy type 2J. Last evaluated: 2026-01-05. Review status: criteria provided, single submitter. Criteria: Invitae Variant Classification Sherloc (09022015). Collection method: clinical testing. Allele origin: germline.

PreventionGenetics, part of Exact Sciences
Classification: Likely benign for TTN-related condition. Last evaluated: 2025-04-23. Review status: criteria provided, single submitter. Criteria: ACMG Guidelines, 2015. Collection method: clinical testing. Allele origin: germline.
Comment: This variant is classified as likely benign based on ACMG/AMP sequence variant interpretation guidelines (Richards et al. 2015 PMID: 25741868, with internal and published modifications).

Ambry Genetics
Classification: Likely benign for Cardiovascular phenotype. Last evaluated: 2021-04-21. Review status: criteria provided, single submitter. Criteria: Ambry Variant Classification Scheme 2023. Collection method: clinical testing. Allele origin: germline.

NM_001267550.2(TTN):c.8604C>T (p.Val2868=)

Gene: TTN (titin; minus strand). Cytogenetic location: 2q31.2.
Variant type: single nucleotide variant.
Coding change: c.8604C>T on transcript NM_001267550.2 (MANE Select); coding-DNA position 8604, C replaced by T.
Protein change: p.Val2868=; no amino-acid change (valine 2868 retained).
Molecular consequence: synonymous variant.
Genome position (GRCh38, 1-based): chr2:178,770,097, G>A on the plus strand (C>T on the coding strand, the complement: TTN is on the minus strand). VCF-style: chr2-178770097-G-A. GRCh37 (hg19) VCF-style: chr2-179634824-G-A.
Other names: c.8604C>T, p.Val2868= (NM_001256850.1, NM_133378.4, NM_133379.5); c.8466C>T, p.Val2822= (NM_003319.4, NM_133432.3, NM_133437.4).
Identifiers: ClinVar variation 1593082 (VCV001593082.11), dbSNP rs753733308, ClinGen allele CA2004575.